The following is an entry in ClinVar:

ClinVar aggregate classification (germline): Uncertain significance (1 of 4 stars; one submission).

Submission:

Labcorp Genetics (formerly Invitae), Labcorp
Classification: Uncertain significance. Last evaluated: 2025-07-28. Review status: criteria provided, single submitter. Criteria: Invitae Variant Classification Sherloc (09022015). Collection method: clinical testing. Allele origin: germline.
Comment: This sequence change replaces glutamine, which is neutral and polar, with arginine, which is basic and polar, at codon 1143 of the COL4A4 protein (p.Gln1143Arg). This variant is not present in population databases (gnomAD no frequency). This variant has not been reported in the literature in individuals affected with COL4A4-related conditions. Invitae Evidence Modeling of protein sequence and biophysical properties (such as structural, functional, and spatial information, amino acid conservation, physicochemical variation, residue mobility, and thermodynamic stability) indicates that this missense variant is not expected to disrupt COL4A4 protein function with a negative predictive value of 95%. In summary, the available evidence is currently insufficient to determine the role of this variant in disease. Therefore, it has been classified as a Variant of Uncertain Significance.

NM_000092.5(COL4A4):c.3428A>G (p.Gln1143Arg)

Gene: COL4A4 (collagen type IV alpha 4 chain; minus strand). Cytogenetic location: 2q36.3.
Variant type: single nucleotide variant.
Coding change: c.3428A>G on transcript NM_000092.5 (MANE Select); coding-DNA position 3428, A replaced by G.
Protein change: p.Gln1143Arg; replaces glutamine 1143 with arginine.
Molecular consequence: missense variant.
Genome position (GRCh38, 1-based): chr2:227,042,225, T>C on the plus strand (A>G on the coding strand, the complement: COL4A4 is on the minus strand). VCF-style: chr2-227042225-T-C. GRCh37 (hg19) VCF-style: chr2-227906941-T-C.
Other names: short protein forms Q1143R.
Identifiers: ClinVar variation 4810759 (VCV004810759.1).